The following is an entry in ClinVar:

NM_005121.3(MED13):c.2182-3C>T

Gene: MED13 (mediator complex subunit 13; minus strand). Cytogenetic location: 17q23.2.
Variant type: single nucleotide variant.
Coding change: c.2182-3C>T on transcript NM_005121.3 (MANE Select); 3 bases into the intron before coding-DNA position 2182, C replaced by T.
Molecular consequence: intron variant.
Genome position (GRCh38, 1-based): chr17:61,992,624, G>A on the plus strand (C>T on the coding strand, the complement: MED13 is on the minus strand). VCF-style: chr17-61992624-G-A. GRCh37 (hg19) VCF-style: chr17-60069985-G-A.
Identifiers: ClinVar variation 3034314 (VCV003034314.2), dbSNP rs368806394, ClinGen allele CA8692888.
Genomic context (GRCh38, chr17:61,992,624, plus strand): 5'-ATGACATAGCATCTTCTTCATGTGATAACACTGTTACACTAGATGTCCCATCTTCTACCT[G>A]CAAACAAATATTTCATGTTAGGCTGAAATATATAATTTACCAACAATAAAATCTACCAAT-3'

ClinVar aggregate classification (germline): Likely benign (0 of 4 stars; one submission).

Conditions:
MED13-related disorder. Also called: MED13-related condition.

Allele frequency attached by ClinVar (database versions not stated): gnomAD exomes below 0.00001; gnomAD 0.00001; ExAC 0.00002; TOPMed 0.00002; ESP Exome Variant Server 0.00008.
gnomAD v4.1: 7 of 1,590,718 alleles (0.00044%); highest among the groups gnomAD compares: Admixed American, 0.005%; no homozygotes.

Submission:

PreventionGenetics, part of Exact Sciences
Classification: Likely benign for MED13-related condition. Last evaluated: 2019-06-11. Review status: no assertion criteria provided. Collection method: clinical testing. Allele origin: germline.
Comment: This variant is classified as likely benign based on ACMG/AMP sequence variant interpretation guidelines (Richards et al. 2015 PMID: 25741868, with internal and published modifications).